The following is an entry in ClinVar:

ClinVar aggregate classification (germline): Conflicting classifications of pathogenicity. Review status: criteria provided, conflicting classifications (1 of 4 stars). 4 submissions from 4 submitters: Uncertain significance (3); Likely benign (1). Last evaluated 2025-11-25.

Conditions:
MARS1-related disorder. Also called: MARS1-related condition.
Charcot-Marie-Tooth disease. Also called: Charcot-Marie-Tooth Neuropathy; Charcot-Marie-Tooth Hereditary Neuropathy. Identifiers: Orphanet 166, MedGen C0007959, MONDO:0015626.
Severe early-onset pulmonary alveolar proteinosis due to MARS deficiency. Also called: PULMONARY ALVEOLAR PROTEINOSIS, REUNION ISLAND; Interstitial lung and liver disease. Identifiers: Orphanet 440427, MedGen C4225400, MONDO:0014206, OMIM 615486.
Charcot-Marie-Tooth disease axonal type 2U. Also called: CHARCOT-MARIE-TOOTH NEUROPATHY, TYPE 2U; CHARCOT-MARIE-TOOTH DISEASE, AXONAL, AUTOSOMAL DOMINANT, TYPE 2U. Identifiers: Orphanet 397735, MedGen C4084821, MONDO:0014566, OMIM 616280.

Allele frequency attached by ClinVar (database versions not stated): ExAC 0.00002; gnomAD exomes 0.00002; gnomAD 0.00004; TOPMed 0.00005.
gnomAD v4.1: 31 of 1,614,096 alleles (0.0019%); highest among the groups gnomAD compares: Non-Finnish European, 0.0026%; no homozygotes.

Submissions (4):

PreventionGenetics, part of Exact Sciences
Classification: Uncertain significance for MARS1-related condition. Last evaluated: 2025-11-25. Review status: criteria provided, single submitter. Criteria: ACMG Guidelines, 2015. Collection method: clinical testing. Allele origin: germline.
Comment: The MARS1 c.988C>A variant is predicted to result in the amino acid substitution p.Gln330Lys. This variant has been reported as a variant of uncertain significance in an individual from a Charcot-Marie-Tooth disease cohort (Supplementary table 2 in Volodarsky et al. 2021. PubMed ID: 32376792). This variant is reported in 0.0054% of alleles in individuals of European (non-Finnish) descent in gnomAD. At this time, the clinical significance of this variant is uncertain due to the absence of conclusive functional and genetic evidence.

Labcorp Genetics (formerly Invitae), Labcorp
Classification: Uncertain significance for Charcot-Marie-Tooth disease axonal type 2U; Severe early-onset pulmonary alveolar proteinosis due to MARS deficiency. Last evaluated: 2025-10-31. Review status: criteria provided, single submitter. Criteria: Invitae Variant Classification Sherloc (09022015). Collection method: clinical testing. Allele origin: germline.
Comment: This sequence change replaces glutamine, which is neutral and polar, with lysine, which is basic and polar, at codon 330 of the MARS protein (p.Gln330Lys). This variant is present in population databases (rs745584505, gnomAD 0.006%). This missense change has been observed in individual(s) with clinical features of Charcot-Marie-Tooth disease (PMID: 32376792). ClinVar contains an entry for this variant (Variation ID: 917038). An algorithm developed to predict the effect of missense changes on protein structure and function outputs the following: PolyPhen-2: "Benign". The lysine amino acid residue is found in multiple mammalian species, which suggests that this missense change does not adversely affect protein function. In summary, the available evidence is currently insufficient to determine the role of this variant in disease. Therefore, it has been classified as a Variant of Uncertain Significance.

Ambry Genetics
Classification: Likely benign. Last evaluated: 2024-01-02. Review status: criteria provided, single submitter. Criteria: Ambry Variant Classification Scheme 2023. Collection method: clinical testing. Allele origin: germline.

Molecular Genetics Laboratory, London Health Sciences Centre
Classification: Uncertain significance for Charcot-Marie-Tooth disease. Review status: criteria provided, single submitter. Criteria: ACMG Guidelines, 2015. Collection method: clinical testing. Allele origin: germline. Affected: yes.

Literature cited by the submitters: PubMed 32376792 (cited by Labcorp Genetics (formerly Invitae), Labcorp and Ambry Genetics); PubMed 36413997 (cited by Ambry Genetics).

NM_004990.4(MARS1):c.988C>A (p.Gln330Lys)

Gene: MARS1 (methionyl-tRNA synthetase 1; plus strand). Cytogenetic location: 12q13.3.
Variant type: single nucleotide variant.
Coding change: c.988C>A on transcript NM_004990.4 (MANE Select); coding-DNA position 988, C replaced by A.
Protein change: p.Gln330Lys; replaces glutamine 330 with lysine.
Molecular consequence: missense variant.
Genome position (GRCh38, 1-based): chr12:57,498,520, C>A. VCF-style: chr12-57498520-C-A. GRCh37 (hg19) VCF-style: chr12-57892303-C-A.
Other names: short protein forms Q330K.
Identifiers: ClinVar variation 917038 (VCV000917038.8), dbSNP rs745584505, ClinGen allele CA6650378.